The following is an entry in ClinVar:

ClinVar aggregate classification (germline): Pathogenic. Review status: criteria provided, single submitter (1 of 4 stars). 2 submissions from 2 submitters: Pathogenic (1). 1 of the submissions does not count toward it. Last evaluated 2025-09-26.

Conditions:
Hemolytic-uremic syndrome. Identifiers: Orphanet 544458, MedGen C0019061, MONDO:0001549, HP:0005575.
Atypical hemolytic-uremic syndrome. Identifiers: Orphanet 2134, MedGen C2931788, MONDO:0016244.

gnomAD v4.1: 2 of 1,264,370 alleles (0.00016%); highest among the groups gnomAD compares: Non-Finnish European, 0.00021%; no homozygotes.

Submissions (2):

Genomenon, Inc
Classification: Pathogenic for Atypical hemolytic-uremic syndrome. Last evaluated: 2025-09-26. Review status: criteria provided, single submitter. Criteria: Genomenon Sequence Variant Interpretation Standards - Updated. Collection method: curation. Allele origin: germline. Affected: yes.
Comment: DGKE c.888+40A>G is an intronic variant located in intron 5. This variant has been observed in at least one proband affected with atypical hemolytic-uremic syndrome (PMID:25854283;28526779;28496993). The variant was found to segregate with disease in at least one affected family (PMID:25854283). At least one splicing study identified that this variant results in aberrant splicing (PMID:25854283). It is absent or not present at a significant frequency in gnomAD. In conclusion, we classify DGKE c.888+40A>G as a pathogenic variant.

Yale Center for Mendelian Genomics, Yale University
Classification: Pathogenic for Hereditary hemolytic uremic syndrome. Last evaluated: 2015-04-08. Review status: no assertion criteria provided. Collection method: literature only. Allele origin: germline. Affected: yes. Observed: 2 homozygotes. Not counted in ClinVar's aggregate classification.

Literature cited by the submitters: PubMed 25854283 (cited by Genomenon, Inc and Yale Center for Mendelian Genomics, Yale University); PubMed 28526779 (cited by Genomenon, Inc); PubMed 28496993 (cited by Genomenon, Inc).

NM_003647.3(DGKE):c.888+40A>G

Gene: DGKE (diacylglycerol kinase epsilon; plus strand). Cytogenetic location: 17q22.
Variant type: single nucleotide variant.
Coding change: c.888+40A>G on transcript NM_003647.3 (MANE Select); 40 bases into the intron after coding-DNA position 888, A replaced by G.
Molecular consequence: intron variant.
Genome position (GRCh38, 1-based): chr17:56,848,105, A>G. VCF-style: chr17-56848105-A-G. GRCh37 (hg19) VCF-style: chr17-54925466-A-G.
Identifiers: ClinVar variation 548648 (VCV000548648.2), dbSNP rs1555599211, ClinGen allele CA658824661.
Genomic context (GRCh38, chr17:56,848,105, plus strand): 5'-GTTGATGACATGAAGATTAAGGTATTAGTCTTTAAGAACTACTACAGAAGGACTTCTAAG[A>G]TAAATATACTATACATATATATATATATATGGGTTTTGTTGTTGTTTTGTTGTTGTTGTT-3'